The following is an entry in ClinVar:

NM_018062.4(FANCL):c.1021-2A>G

Gene: FANCL (FA complementation group L; minus strand). Cytogenetic location: 2p16.1.
Variant type: single nucleotide variant.
Coding change: c.1021-2A>G on transcript NM_018062.4 (MANE Select); the canonical splice acceptor site of the intron before coding-DNA position 1021, A replaced by G.
Molecular consequence: splice acceptor variant.
Genome position (GRCh38, 1-based): chr2:58,160,181, T>C on the plus strand (A>G on the coding strand, the complement: FANCL is on the minus strand). VCF-style: chr2-58160181-T-C. GRCh37 (hg19) VCF-style: chr2-58387316-T-C.
Other names: c.1066-2A>G (NM_001374615.1); c.1036-2A>G (NM_001114636.2); c.1081-2A>G (NM_001410792.1).
Identifiers: ClinVar variation 2828622 (VCV002828622.4), dbSNP rs2466549886, ClinGen allele CA346931533.
Genomic context (GRCh38, chr2:58,160,181, plus strand): 5'-GGACATTCACCAAATATGATGTTAAAACTCTGTCTACTAGTTAGTAGTCCTCTCAGCCAC[T>C]GCAAATTTTAAAAGATAAAGGAGAAGCGTCAGCATGATTACAAATTACAGATACTCCAAA-3'

ClinVar aggregate classification (germline): Likely pathogenic. Review status: criteria provided, multiple submitters, no conflicts (2 of 4 stars). 2 submissions from 2 submitters: Likely pathogenic (2). Last evaluated 2023-11-29.

Conditions:
Fanconi anemia (FA). Also called: Fanconi's anemia. Identifiers: Orphanet 84, MedGen C0015625, MeSH D005199, MONDO:0019391.
Fanconi anemia complementation group L (FANCL). Also called: FANCL-Related Fanconi Anemia. Identifiers: Orphanet 84, MedGen C3469528, MONDO:0013566, OMIM 614083.

Submissions (2):

Baylor Genetics
Classification: Likely pathogenic for Fanconi anemia complementation group L. Last evaluated: 2023-11-29. Review status: criteria provided, single submitter. Criteria: ACMG Guidelines, 2015. Collection method: clinical testing. Allele origin: unknown.

Labcorp Genetics (formerly Invitae), Labcorp
Classification: Likely pathogenic for Fanconi anemia. Last evaluated: 2023-10-07. Review status: criteria provided, single submitter. Criteria: Invitae Variant Classification Sherloc (09022015). Collection method: clinical testing. Allele origin: germline.
Comment: This sequence change affects an acceptor splice site in intron 12 of the FANCL gene. It is expected to disrupt RNA splicing. Variants that disrupt the donor or acceptor splice site typically lead to a loss of protein function (PMID: 16199547), and loss-of-function variants in FANCL are known to be pathogenic (PMID: 19405097, 23613520). This variant is not present in population databases (gnomAD no frequency). This variant has not been reported in the literature in individuals affected with FANCL-related conditions. Algorithms developed to predict the effect of sequence changes on RNA splicing suggest that this variant may disrupt the consensus splice site. In summary, the currently available evidence indicates that the variant is pathogenic, but additional data are needed to prove that conclusively. Therefore, this variant has been classified as Likely Pathogenic.

Literature cited by the submitters: PubMed 16199547 (cited by Labcorp Genetics (formerly Invitae), Labcorp); PubMed 19405097 (cited by Labcorp Genetics (formerly Invitae), Labcorp); PubMed 23613520 (cited by Labcorp Genetics (formerly Invitae), Labcorp).